The following is an entry in ClinVar:

ClinVar aggregate classification (germline): Uncertain significance. Review status: criteria provided, multiple submitters, no conflicts (2 of 4 stars). 4 submissions from 4 submitters: Uncertain significance (3). 1 of the submissions does not count toward it. Last evaluated 2024-09-03.

Conditions:
Inborn genetic diseases. Identifiers: MedGen C0950123, MeSH D030342.
Hereditary acrodermatitis enteropathica (AEZ). Also called: Acrodermatitis enteropathica. Identifiers: Orphanet 37, MedGen C0221036, MONDO:0008713, OMIM 201100.

Allele frequency attached by ClinVar (database versions not stated): gnomAD exomes 0.00007 and 0.00014; ExAC 0.00011; TOPMed 0.00013; gnomAD 0.00015 and 0.00016; 1000 Genomes Project 30x 0.00016; 1000 Genomes Project 0.00020.
gnomAD v4.1: 141 of 1,613,014 alleles (0.0087%); highest among the groups gnomAD compares: Middle Eastern, 0.066%; no homozygotes.

Submissions (4):

Ambry Genetics
Classification: Uncertain significance for Inborn genetic diseases. Last evaluated: 2024-09-03. Review status: criteria provided, single submitter. Criteria: Ambry Variant Classification Scheme 2023. Collection method: clinical testing. Allele origin: germline.

Fulgent Genetics
Classification: Uncertain significance for Hereditary acrodermatitis enteropathica. Last evaluated: 2021-07-25. Review status: criteria provided, single submitter. Criteria: ACMG Guidelines, 2015. Collection method: clinical testing. Allele origin: unknown.

GeneDx
Classification: Uncertain significance. Last evaluated: 2020-02-18. Review status: criteria provided, single submitter. Criteria: GeneDx Variant Classification Process June 2021. Collection method: clinical testing. Allele origin: germline. Affected: yes.
Comment: In silico analysis supports that this missense variant has a deleterious effect on protein structure/function; Has not been previously published as pathogenic or benign to our knowledge

Natera, Inc.
Classification: Uncertain significance for Acrodermatitis enteropathica. Last evaluated: 2020-01-24. Review status: no assertion criteria provided. Collection method: clinical testing. Allele origin: germline. Not counted in ClinVar's aggregate classification.

NM_130849.4(SLC39A4):c.659C>T (p.Thr220Met)

Gene: SLC39A4 (solute carrier family 39 member 4; minus strand). Cytogenetic location: 8q24.3.
Variant type: single nucleotide variant.
Coding change: c.659C>T on transcript NM_130849.4 (MANE Select); coding-DNA position 659, C replaced by T.
Protein change: p.Thr220Met; replaces threonine 220 with methionine.
Molecular consequence: missense variant.
Genome position (GRCh38, 1-based): chr8:144,415,235, G>A on the plus strand (C>T on the coding strand, the complement: SLC39A4 is on the minus strand). VCF-style: chr8-144415235-G-A. GRCh37 (hg19) VCF-style: chr8-145640619-G-A.
Other names: c.377C>T, p.Thr126Met (NM_001374839.1); c.584C>T, p.Thr195Met (NM_017767.3); c.659C>T (NM_130849.2); short protein forms T126M, T195M, T220M.
Identifiers: ClinVar variation 1204083 (VCV001204083.9), dbSNP rs538740246, ClinGen allele CA4941619.
Genomic context (GRCh38, chr8:144,415,235, plus strand): 5'-GGAGGCTGGGGACTCGGGGGTGCCCCCCTCCACAGCCCAGCCCAGGCCTCACCGGCCAGC[G>A]TCATAGGGACCTCGCTGCTGTGCTGCTGGAACACAAAGTCCACGAAGTACTGAGGGCTCG-3'
Protein context (NP_570901.3, residues 210-230): FQQHSSEVPM[Thr220Met]LAELSALMQR